The following is an entry in ClinVar:

ClinVar aggregate classification (germline): Uncertain significance. Review status: criteria provided, multiple submitters, no conflicts (2 of 4 stars). 3 submissions from 3 submitters: Uncertain significance (3). Last evaluated 2023-09-15.

Conditions:
Hereditary cancer-predisposing syndrome. Also called: Hereditary neoplastic syndrome; Neoplastic Syndromes, Hereditary; Tumor predisposition; Hereditary Cancer Syndrome. Identifiers: Orphanet 140162, MedGen C0027672, MeSH D009386, MONDO:0015356.
Microcephaly, normal intelligence and immunodeficiency (NBS). Also called: IMMUNODEFICIENCY, MICROCEPHALY, AND CHROMOSOMAL INSTABILITY; SEEMANOVA SYNDROME II; Nijmegen breakage syndrome; Microcephaly with normal intelligence immunodeficiency and lymphoreticular malignancies; Nonsyndromal microcephaly autosomal recessive with normal intelligence; Seemanova syndrome 2. Identifiers: Orphanet 647, MedGen C0398791, MONDO:0009623, OMIM 251260.

Allele frequency attached by ClinVar (database versions not stated): gnomAD exomes below 0.00001.

Submissions (3):

Ambry Genetics
Classification: Uncertain significance for Hereditary cancer-predisposing syndrome. Last evaluated: 2023-09-15. Review status: criteria provided, single submitter. Criteria: Ambry Variant Classification Scheme 2023. Collection method: clinical testing. Allele origin: germline.
Comment: The p.V271F variant (also known as c.811G>T), located in coding exon 7 of the NBN gene, results from a G to T substitution at nucleotide position 811. The valine at codon 271 is replaced by phenylalanine, an amino acid with highly similar properties. This amino acid position is well conserved in available vertebrate species. In addition, the in silico prediction for this alteration is inconclusive. Since supporting evidence is limited at this time, the clinical significance of this alteration remains unclear.

Genome-Nilou Lab
Classification: Uncertain significance for Microcephaly, normal intelligence and immunodeficiency. Last evaluated: 2021-11-07. Review status: criteria provided, single submitter. Criteria: ACMG Guidelines, 2015. Collection method: clinical testing. Allele origin: germline. Affected: no.

Labcorp Genetics (formerly Invitae), Labcorp
Classification: Uncertain significance for Microcephaly, normal intelligence and immunodeficiency. Last evaluated: 2021-09-01. Review status: criteria provided, single submitter. Criteria: Invitae Variant Classification Sherloc (09022015). Collection method: clinical testing. Allele origin: germline.
Comment: This sequence change replaces valine with phenylalanine at codon 271 of the NBN protein (p.Val271Phe). The valine residue is moderately conserved and there is a small physicochemical difference between valine and phenylalanine. This variant is not present in population databases (ExAC no frequency). This variant has not been reported in the literature in individuals affected with NBN-related conditions. ClinVar contains an entry for this variant (Variation ID: 483995). Algorithms developed to predict the effect of missense changes on protein structure and function are either unavailable or do not agree on the potential impact of this missense change (SIFT: "Deleterious"; PolyPhen-2: "Benign"; Align-GVGD: "Class C0"). Algorithms developed to predict the effect of sequence changes on RNA splicing suggest that this variant is not likely to affect RNA splicing. In summary, the available evidence is currently insufficient to determine the role of this variant in disease. Therefore, it has been classified as a Variant of Uncertain Significance.

NM_002485.5(NBN):c.811G>T (p.Val271Phe)

Gene: NBN (nibrin; minus strand). Cytogenetic location: 8q21.3.
Variant type: single nucleotide variant.
Coding change: c.811G>T on transcript NM_002485.5 (MANE Select); coding-DNA position 811, G replaced by T.
Protein change: p.Val271Phe; replaces valine 271 with phenylalanine.
Molecular consequence: missense variant.
Genome position (GRCh38, 1-based): chr8:89,970,449, C>A on the plus strand (G>T on the coding strand, the complement: NBN is on the minus strand). VCF-style: chr8-89970449-C-A. GRCh37 (hg19) VCF-style: chr8-90982677-C-A.
Other names: c.565G>T, p.Val189Phe (NM_001024688.3); short protein forms V271F, V189F.
Identifiers: ClinVar variation 483995 (VCV000483995.14), dbSNP rs876659388, ClinGen allele CA371658567.